The following is an entry in ClinVar:

ClinVar aggregate classification (germline): Uncertain significance (1 of 4 stars; one submission).

Conditions:
Hereditary cancer-predisposing syndrome. Also called: Hereditary Cancer Syndrome; Hereditary neoplastic syndrome; Tumor predisposition; Neoplastic Syndromes, Hereditary. Identifiers: Orphanet 140162, MedGen C0027672, MeSH D009386, MONDO:0015356.

Submission:

Ambry Genetics
Classification: Uncertain significance for Hereditary cancer-predisposing syndrome. Last evaluated: 2022-05-13. Review status: criteria provided, single submitter. Criteria: Ambry Variant Classification Scheme 2023. Collection method: clinical testing. Allele origin: germline.
Comment: The p.A8V variant (also known as c.23C>T), located in coding exon 1 of the RET gene, results from a C to T substitution at nucleotide position 23. The alanine at codon 8 is replaced by valine, an amino acid with similar properties. This amino acid position is conserved. In addition, the in silico prediction for this alteration is inconclusive. Since supporting evidence is limited at this time, the clinical significance of this alteration remains unclear.

NM_020975.6(RET):c.23C>T (p.Ala8Val)

Genes: RET (ret proto-oncogene; plus strand), LOC106736614 (RET 5' regulatory region; plus strand). Cytogenetic location: 10q11.21.
Variant type: single nucleotide variant.
Coding change: c.23C>T on transcript NM_020975.6 (MANE Select); coding-DNA position 23, C replaced by T.
Protein change: p.Ala8Val; replaces alanine 8 with valine.
Molecular consequence: missense variant.
Genome position (GRCh38, 1-based): chr10:43,077,281, C>T. VCF-style: chr10-43077281-C-T. GRCh37 (hg19) VCF-style: chr10-43572729-C-T.
Other names: c.23C>T, p.Ala8Val (NM_000323.2, NM_001406743.1, NM_001406744.1 and 38 more transcripts); short protein forms A8V.
Identifiers: ClinVar variation 1790712 (VCV001790712.2), dbSNP rs1168334949, ClinGen allele CA376768041.